The following is an entry in ClinVar:

NM_001081.4(CUBN):c.1030G>A (p.Gly344Arg)

Gene: CUBN (cubilin; minus strand). Cytogenetic location: 10p13.
Variant type: single nucleotide variant.
Coding change: c.1030G>A on transcript NM_001081.4 (MANE Select); coding-DNA position 1030, G replaced by A.
Protein change: p.Gly344Arg; replaces glycine 344 with arginine.
Molecular consequence: missense variant.
Genome position (GRCh38, 1-based): chr10:17,109,721, C>T on the plus strand (G>A on the coding strand, the complement: CUBN is on the minus strand). VCF-style: chr10-17109721-C-T. GRCh37 (hg19) VCF-style: chr10-17151720-C-T.
Other names: short protein forms G344R.
Identifiers: ClinVar variation 3026568 (VCV003026568.22), dbSNP rs1209518143, ClinGen allele CA376164448.

ClinVar aggregate classification (germline): Uncertain significance (1 of 4 stars; one submission).

Allele frequency attached by ClinVar (database versions not stated): gnomAD exomes below 0.00001; TOPMed 0.00001.

Submission:

CeGaT Center for Human Genetics Tuebingen
Classification: Uncertain significance. Last evaluated: 2023-12-01. Review status: criteria provided, single submitter. Criteria: CeGaT Center For Human Genetics Tuebingen Variant Classification Criteria Version 2. Collection method: clinical testing. Allele origin: germline. Affected: yes. Observed: 1 variant allele.
Comment: CUBN: PM2